The following is an entry in ClinVar:

NM_001360016.2(G6PD):c.120+199dup

Genes: G6PD (glucose-6-phosphate dehydrogenase; minus strand), IKBKG (inhibitor of nuclear factor kappa B kinase regulatory subunit gamma; plus strand). Cytogenetic location: Xq28.
Variant type: Duplication.
Coding change: c.120+199dup on transcript NM_001360016.2 (MANE Select); 199 bases into the intron after coding-DNA position 120, one base duplicated (T; older notation c.120+199dupT).
Molecular consequence: intron variant.
Genome position (GRCh38, 1-based): chrX:154,545,837, A duplicated on the plus strand (T on the coding strand, the reverse complement: G6PD is on the minus strand); the first of 20 consecutive A bases (chrX:154,545,837-154,545,856); duplicating any one gives the same sequence. VCF-style (leftmost placement, unchanged base first): chrX-154545836-C-CA. GRCh37 (hg19) VCF-style: chrX-153774051-C-CA.
Other names: c.210+199dup (NM_000402.4); c.120+199dup (NM_001042351.3); c.-16+4465dup (NM_001377312.1, NM_001377313.1); c.189+3404dup (NM_001099856.6); c.-16+3469dup (NM_001321396.3).
Identifiers: ClinVar variation 1246459 (VCV001246459.6), dbSNP rs781893284, ClinGen allele CA337292806.

ClinVar aggregate classification (germline): Benign. Review status: criteria provided, multiple submitters, no conflicts (2 of 4 stars). 2 submissions from 2 submitters: Benign (2). Last evaluated 2022-08-12.

Conditions:
Anemia, nonspherocytic hemolytic, due to G6PD deficiency (CNSHA1). Also called: Class I glucose-6-phosphate dehydrogenase deficiency; Favism, susceptibility to; Hemolytic anemia due to G6PD deficiency; ANEMIA, CONGENITAL, NONSPHEROCYTIC HEMOLYTIC, 1. Identifiers: Orphanet 466026, MedGen C2720289, MONDO:0010480, OMIM 300908.

Submissions (2):

Dunham Lab, University of Washington
Classification: Benign for Anemia, nonspherocytic hemolytic, due to G6PD deficiency. Last evaluated: 2022-08-12. Review status: criteria provided, single submitter. Criteria: ACMG Guidelines, 2015. Collection method: curation. Allele origin: unknown.
Comment: Variant found at a frequency of 5.5% in gnomAD (BA1) and previously interpreted as benign (BP6).

GeneDx
Classification: Benign. Last evaluated: 2019-10-06. Review status: criteria provided, single submitter. Criteria: GeneDx Variant Classification Process June 2021. Collection method: clinical testing. Allele origin: germline. Affected: yes.